The following is an entry in ClinVar:

ClinVar aggregate classification (germline): Uncertain significance (1 of 4 stars; one submission).

Submission:

Labcorp Genetics (formerly Invitae), Labcorp
Classification: Uncertain significance. Last evaluated: 2024-05-09. Review status: criteria provided, single submitter. Criteria: Invitae Variant Classification Sherloc (09022015). Collection method: clinical testing. Allele origin: germline.
Comment: This sequence change falls in intron 34 of the MYH3 gene. It does not directly change the encoded amino acid sequence of the MYH3 protein. Information on the frequency of this variant in the gnomAD database is not available, as this variant may be reported differently in the database. This variant has not been reported in the literature in individuals affected with MYH3-related conditions. Experimental studies and prediction algorithms are not available or were not evaluated, and the effect of this variant on mRNA splicing is currently unknown. In summary, the available evidence is currently insufficient to determine the role of this variant in disease. Therefore, it has been classified as a Variant of Uncertain Significance.

NM_002470.4(MYH3):c.4957-17_4957-16delinsTC

Gene: MYH3 (myosin heavy chain 3; minus strand). Cytogenetic location: 17p13.1.
Variant type: Indel.
Coding change: c.4957-17_4957-16delinsTC on transcript NM_002470.4 (MANE Select); 17 bases into the intron before coding-DNA position 4957 through 16 bases into the intron before coding-DNA position 4957, CG replaced by TC.
Molecular consequence: intron variant.
Genome position (GRCh38, 1-based): chr17:10,632,032-10,632,033, CG replaced by GA on the plus strand (CG replaced by TC on the coding strand, the reverse complement: MYH3 is on the minus strand). VCF-style: chr17-10632032-CG-GA. GRCh37 (hg19) VCF-style: chr17-10535349-CG-GA.
Identifiers: ClinVar variation 3672493 (VCV003672493.2).